The following is an entry in ClinVar:

NM_001166108.2(PALLD):c.1965-12630G>C

Gene: PALLD (palladin, cytoskeletal associated protein; plus strand). Cytogenetic location: 4q32.3.
Variant type: single nucleotide variant.
Coding change: c.1965-12630G>C on transcript NM_001166108.2 (MANE Select); 12630 bases into the intron before coding-DNA position 1965, G replaced by C.
Molecular consequence: intron variant. On other transcripts: missense variant (1).
Genome position (GRCh38, 1-based): chr4:168,878,292, G>C. VCF-style: chr4-168878292-G-C. GRCh37 (hg19) VCF-style: chr4-169799443-G-C.
Other names: c.401G>C, p.Gly134Ala (NM_001166110.2); c.1965-12630G>C (NM_016081.4); c.819-12630G>C (NM_001166109.2); c.-157-12630G>C (NM_001367570.1, NM_001367568.1, NM_001367567.1 and 1 more transcripts); short protein forms G134A.
Identifiers: ClinVar variation 3885252 (VCV003885252.1).

ClinVar aggregate classification (germline): Uncertain significance (1 of 4 stars; one submission).

gnomAD v4.1: 3 of 1,527,356 alleles (0.0002%); highest among the groups gnomAD compares: Middle Eastern, 0.022%; no homozygotes.

Submission:

Ambry Genetics
Classification: Uncertain significance. Last evaluated: 2024-12-16. Review status: criteria provided, single submitter. Criteria: Ambry Variant Classification Scheme 2023. Collection method: clinical testing. Allele origin: germline.
Comment: The p.G134A variant (also known as c.401G>C), located in coding exon 1 of the PALLD gene, results from a G to C substitution at nucleotide position 401. The glycine at codon 134 is replaced by alanine, an amino acid with similar properties. This amino acid position is conserved. In addition, this alteration is predicted to be tolerated by in silico analysis. Based on the available evidence, the clinical significance of this variant remains unclear.